The following is an entry in ClinVar:

NM_001142864.4(PIEZO1):c.1132A>G (p.Thr378Ala)

Genes: HSALR1 (HSP90AB1 associated lncRNA 1; plus strand), PIEZO1 (piezo type mechanosensitive ion channel component 1 (Er blood group); minus strand). Cytogenetic location: 16q24.3.
Variant type: single nucleotide variant.
Coding change: c.1132A>G on transcript NM_001142864.4 (MANE Select); coding-DNA position 1132, A replaced by G.
Protein change: p.Thr378Ala; replaces threonine 378 with alanine.
Molecular consequence: missense variant.
Genome position (GRCh38, 1-based): chr16:88,737,622, T>C on the plus strand (A>G on the coding strand, the complement: PIEZO1 is on the minus strand). VCF-style: chr16-88737622-T-C. GRCh37 (hg19) VCF-style: chr16-88804030-T-C.
Other names: short protein forms T378A.
Identifiers: ClinVar variation 2393657 (VCV002393657.5), dbSNP rs1905318408, ClinGen allele CA397120326.

ClinVar aggregate classification (germline): Uncertain significance. Review status: criteria provided, multiple submitters, no conflicts (2 of 4 stars). 3 submissions from 3 submitters: Uncertain significance (3). Last evaluated 2025-06-01.

Conditions:
Inborn genetic diseases. Identifiers: MedGen C0950123, MeSH D030342.

gnomAD v4.1: 1 of 1,534,572 alleles (0.000065%); no homozygotes.

Submissions (3):

GeneDx
Classification: Uncertain significance. Last evaluated: 2025-06-01. Review status: criteria provided, single submitter. Criteria: GeneDx Variant Classification Process June 2021. Collection method: clinical testing. Allele origin: germline. Affected: yes.
Comment: Not observed at significant frequency in large population cohorts (gnomAD); In silico analysis suggests that this missense variant does not alter protein structure/function; Has not been previously published as pathogenic or benign to our knowledge

Revvity Omics, Revvity
Classification: Uncertain significance. Last evaluated: 2023-07-17. Review status: criteria provided, single submitter. Criteria: ACMG Guidelines, 2015. Collection method: clinical testing. Allele origin: germline.

Ambry Genetics
Classification: Uncertain significance for Inborn genetic diseases. Last evaluated: 2022-04-06. Review status: criteria provided, single submitter. Criteria: Ambry Variant Classification Scheme 2023. Collection method: clinical testing. Allele origin: germline.